The following is an entry in ClinVar:

ClinVar aggregate classification (germline): Uncertain significance (0 of 4 stars; one submission).

Conditions:
LEPR-related disorder. Also called: LEPR-related condition; LEPR-related disorders.

gnomAD v4.1: 28 of 1,613,918 alleles (0.0017%); highest among the groups gnomAD compares: Middle Eastern, 0.033%; no homozygotes.

Submission:

PreventionGenetics, part of Exact Sciences
Classification: Uncertain significance for LEPR-related condition. Last evaluated: 2024-05-01. Review status: no assertion criteria provided. Collection method: clinical testing. Allele origin: germline.
Comment: The LEPR c.127A>G variant is predicted to result in the amino acid substitution p.Thr43Ala. This variant was observed in a cohort of individuals with obesity, and in vitro functional studies showed inconclusive evidence of loss of function (Supplemental Data Set, Shah et al. 2023. PubMed ID: 36864747). This variant is reported in 0.0058% of alleles in individuals of Latino descent in gnomAD. At this time, the clinical significance of this variant is uncertain due to the absence of conclusive functional and genetic evidence.

NM_002303.6(LEPR):c.127A>G (p.Thr43Ala)

Gene: LEPR (leptin receptor; plus strand). Cytogenetic location: 1p31.3.
Variant type: single nucleotide variant.
Coding change: c.127A>G on transcript NM_002303.6 (MANE Select); coding-DNA position 127, A replaced by G.
Protein change: p.Thr43Ala; replaces threonine 43 with alanine.
Molecular consequence: missense variant.
Genome position (GRCh38, 1-based): chr1:65,570,559, A>G. VCF-style: chr1-65570559-A-G. GRCh37 (hg19) VCF-style: chr1-66036242-A-G.
Other names: c.127A>G, p.Thr43Ala (NM_001003679.3, NM_001003680.3, NM_001198687.2 and 2 more transcripts); short protein forms T43A.
Identifiers: ClinVar variation 3351645 (VCV003351645.1).